The following is an entry in ClinVar:

NM_000038.6(APC):c.136-2355C>G

Gene: APC (APC regulator of WNT signaling pathway; plus strand). Cytogenetic location: 5q22.2.
Variant type: single nucleotide variant.
Coding change: c.136-2355C>G on transcript NM_000038.6 (MANE Select); 2355 bases into the intron before coding-DNA position 136, C replaced by G.
Molecular consequence: intron variant.
Genome position (GRCh38, 1-based): chr5:112,763,971, C>G. VCF-style: chr5-112763971-C-G. GRCh37 (hg19) VCF-style: chr5-112099668-C-G.
Other names: c.136-2355C>G (NM_001354895.2, NM_001127510.3, NM_001354896.2 and 2 more transcripts); c.166-2355C>G (NM_001354897.2, NM_001354902.2, NM_001127511.3); c.61-2355C>G (NM_001354898.2, NM_001354904.2); c.-900-2355C>G (NM_001354906.2); c.-42-2355C>G (NM_001354900.2, NM_001354901.2, NM_001354905.2).
Identifiers: ClinVar variation 82856 (VCV000082856.2), dbSNP rs75075213, ClinGen allele CA004604.

ClinVar aggregate classification (germline): other (0 of 4 stars; one submission).

Conditions:
Familial colorectal cancer. Identifiers: MedGen CN280943, MONDO:0023113. Disease mechanism: loss of function.

Submission:

Systems Biology Platform Zhejiang California International NanoSystems Institute
Classification: other for Familial colorectal cancer. Review status: no assertion criteria provided. Collection method: not provided. Allele origin: unknown.
ClinVar note: Converted during submission from cancer to other.